The following is an entry in ClinVar:

ClinVar aggregate classification (germline): Uncertain significance (1 of 4 stars; one submission).

Allele frequency attached by ClinVar (database versions not stated): TOPMed 0.00001.

Submission:

Labcorp Genetics (formerly Invitae), Labcorp
Classification: Uncertain significance. Last evaluated: 2021-12-19. Review status: criteria provided, single submitter. Criteria: Invitae Variant Classification Sherloc (09022015). Collection method: clinical testing. Allele origin: germline.
Comment: In summary, the available evidence is currently insufficient to determine the role of this variant in disease. Therefore, it has been classified as a Variant of Uncertain Significance. Algorithms developed to predict the effect of missense changes on protein structure and function are either unavailable or do not agree on the potential impact of this missense change (SIFT: "Tolerated"; PolyPhen-2: "Possibly Damaging"; Align-GVGD: "Class C0"). This variant has not been reported in the literature in individuals affected with CABP4-related conditions. This variant is present in population databases (no rsID available, gnomAD 0.004%). This sequence change replaces leucine, which is neutral and non-polar, with phenylalanine, which is neutral and non-polar, at codon 134 of the CABP4 protein (p.Leu134Phe).

NM_145200.5(CABP4):c.400C>T (p.Leu134Phe)

Gene: CABP4 (calcium binding protein 4; plus strand). Cytogenetic location: 11q13.2.
Variant type: single nucleotide variant.
Coding change: c.400C>T on transcript NM_145200.5 (MANE Select); coding-DNA position 400, C replaced by T.
Protein change: p.Leu134Phe; replaces leucine 134 with phenylalanine.
Molecular consequence: missense variant.
Genome position (GRCh38, 1-based): chr11:67,456,301, C>T. VCF-style: chr11-67456301-C-T. GRCh37 (hg19) VCF-style: chr11-67223772-C-T.
Other names: c.85C>T, p.Leu29Phe (NM_001300895.3, NM_001300896.3, NM_001379183.1); short protein forms L134F, L29F.
Identifiers: ClinVar variation 1921242 (VCV001921242.3), dbSNP rs781300653, ClinGen allele CA381529745.